The following is an entry in ClinVar:

ClinVar aggregate classification (germline): Uncertain significance. Review status: criteria provided, multiple submitters, no conflicts (2 of 4 stars). 2 submissions from 2 submitters: Uncertain significance (2). Last evaluated 2024-05-30.

Conditions:
Nemaline myopathy 2 (NEM2). Also called: Nemaline myopathy 2, autosomal recessive. Identifiers: MedGen C1850569, MONDO:0009725, OMIM 256030.

Allele frequency attached by ClinVar (database versions not stated): gnomAD exomes 0.00001; TOPMed 0.00002.

Submissions (2):

GeneDx
Classification: Uncertain significance. Last evaluated: 2024-05-30. Review status: criteria provided, single submitter. Criteria: GeneDx Variant Classification Process June 2021. Collection method: clinical testing. Allele origin: germline. Affected: yes.
Comment: Not observed at significant frequency in large population cohorts (gnomAD); In silico analysis indicates that this missense variant does not alter protein structure/function; Has not been previously published as pathogenic or benign to our knowledge

Labcorp Genetics (formerly Invitae), Labcorp
Classification: Uncertain significance for Nemaline myopathy 2. Last evaluated: 2023-11-25. Review status: criteria provided, single submitter. Criteria: Invitae Variant Classification Sherloc (09022015). Collection method: clinical testing. Allele origin: germline.
Comment: This sequence change replaces aspartic acid, which is acidic and polar, with histidine, which is basic and polar, at codon 671 of the NEB protein (p.Asp671His). This variant is not present in population databases (gnomAD no frequency). This variant has not been reported in the literature in individuals affected with NEB-related conditions. Experimental studies and prediction algorithms are not available or were not evaluated, and the functional significance of this variant is currently unknown. In summary, the available evidence is currently insufficient to determine the role of this variant in disease. Therefore, it has been classified as a Variant of Uncertain Significance.

NM_001164508.2(NEB):c.2011G>C (p.Asp671His)

Gene: NEB (nebulin; minus strand). Cytogenetic location: 2q23.3.
Variant type: single nucleotide variant.
Coding change: c.2011G>C on transcript NM_001164508.2 (MANE Select); coding-DNA position 2011, G replaced by C.
Protein change: p.Asp671His; replaces aspartic acid 671 with histidine.
Molecular consequence: missense variant.
Genome position (GRCh38, 1-based): chr2:151,692,154, C>G on the plus strand (G>C on the coding strand, the complement: NEB is on the minus strand). VCF-style: chr2-151692154-C-G. GRCh37 (hg19) VCF-style: chr2-152548668-C-G.
Other names: c.2011G>C, p.Asp671His (NM_001164507.2, NM_001271208.2, NM_004543.5); short protein forms D671H.
Identifiers: ClinVar variation 2882671 (VCV002882671.4), dbSNP rs1465339572, ClinGen allele CA348823992.
Genomic context (GRCh38, chr2:151,692,154, plus strand): 5'-TGTGATATGGGTCCTCCATGCTGCCTACATAATGTCCCAAAACATCCTTTACATATAAGT[C>G]TTTATATCTAGCCTGAAAAATAAAACAAATGTAATTCAAGTTAACAATCATTTGTCAAAC-3'
Protein context (NP_001157980.2, residues 661-681): LKNFSEARYK[Asp671His]LYVKDVLGHY